The following is an entry in ClinVar:

NM_004104.5(FASN):c.2719G>A (p.Val907Ile)

Gene: FASN (fatty acid synthase; minus strand). Cytogenetic location: 17q25.3.
Variant type: single nucleotide variant.
Coding change: c.2719G>A on transcript NM_004104.5 (MANE Select); coding-DNA position 2719, G replaced by A.
Protein change: p.Val907Ile; replaces valine 907 with isoleucine.
Molecular consequence: missense variant.
Genome position (GRCh38, 1-based): chr17:82,088,182, C>T on the plus strand (G>A on the coding strand, the complement: FASN is on the minus strand). VCF-style: chr17-82088182-C-T. GRCh37 (hg19) VCF-style: chr17-80046058-C-T.
Other names: short protein forms V907I.
Identifiers: ClinVar variation 847271 (VCV000847271.11), dbSNP rs150461663, ClinGen allele CA8852675.

ClinVar aggregate classification (germline): Uncertain significance. Review status: criteria provided, single submitter (1 of 4 stars). 2 submissions from 2 submitters: Uncertain significance (1). 1 of the submissions does not count toward it. Last evaluated 2023-10-05.

Conditions:
Autism spectrum disorder. Also called: Autism spectrum disorders. Identifiers: MedGen C1510586, MeSH D000067877, MONDO:0005258.
Epileptic encephalopathy. Identifiers: MedGen C0543888, HP:0200134.

Allele frequency attached by ClinVar (database versions not stated): ExAC 0.00004; gnomAD 0.00009; 1000 Genomes Project 0.00020; gnomAD exomes 0.00008; 1000 Genomes Project 30x 0.00031; ESP Exome Variant Server 0.00015; TOPMed 0.00010.

Submissions (2):

Labcorp Genetics (formerly Invitae), Labcorp
Classification: Uncertain significance for Epileptic encephalopathy. Last evaluated: 2023-10-05. Review status: criteria provided, single submitter. Criteria: Invitae Variant Classification Sherloc (09022015). Collection method: clinical testing. Allele origin: germline.
Comment: This sequence change replaces valine, which is neutral and non-polar, with isoleucine, which is neutral and non-polar, at codon 907 of the FASN protein (p.Val907Ile). This variant is present in population databases (rs150461663, gnomAD 0.02%). This missense change has been observed in individual(s) with autism spectrum disorder (PMID: 30504930). ClinVar contains an entry for this variant (Variation ID: 847271). Algorithms developed to predict the effect of missense changes on protein structure and function output the following: SIFT: "Not Available"; PolyPhen-2: "Benign"; Align-GVGD: "Not Available". The isoleucine amino acid residue is found in multiple mammalian species, which suggests that this missense change does not adversely affect protein function. In summary, the available evidence is currently insufficient to determine the role of this variant in disease. Therefore, it has been classified as a Variant of Uncertain Significance.

University of Washington Center for Mendelian Genomics, University of Washington
Classification: association for Autism spectrum disorder. Review status: no assertion criteria provided. Collection method: research. Allele origin: de novo. Affected: yes. Not counted in ClinVar's aggregate classification.

Literature cited by the submitters: PubMed 30504930 (cited by Labcorp Genetics (formerly Invitae), Labcorp and University of Washington Center for Mendelian Genomics, University of Washington).